The following is an entry in ClinVar:

ClinVar aggregate classification (germline): Likely benign. Review status: criteria provided, multiple submitters, no conflicts (2 of 4 stars). 2 submissions from 2 submitters: Likely benign (2). Last evaluated 2026-02-18.

Conditions:
PRPF3-related disorder. Also called: PRPF3-related condition.

Allele frequency attached by ClinVar (database versions not stated): ExAC 0.00004; gnomAD exomes 0.00005.
gnomAD v4.1: 44 of 1,614,124 alleles (0.0027%); highest among the groups gnomAD compares: Middle Eastern, 0.033%; no homozygotes.

Submissions (2):

PreventionGenetics, part of Exact Sciences
Classification: Likely benign for PRPF3-related condition. Last evaluated: 2026-02-18. Review status: criteria provided, single submitter. Criteria: ACMG Guidelines, 2015. Collection method: clinical testing. Allele origin: germline.
Comment: This variant is classified as likely benign based on ACMG/AMP sequence variant interpretation guidelines (Richards et al. 2015 PMID: 25741868, with internal and published modifications).

Labcorp Genetics (formerly Invitae), Labcorp
Classification: Likely benign. Last evaluated: 2024-03-04. Review status: criteria provided, single submitter. Criteria: Invitae Variant Classification Sherloc (09022015). Collection method: clinical testing. Allele origin: germline.

NM_004698.4(PRPF3):c.1527-5G>A

Gene: PRPF3 (pre-mRNA processing factor 3; plus strand). Cytogenetic location: 1q21.2.
Variant type: single nucleotide variant.
Coding change: c.1527-5G>A on transcript NM_004698.4 (MANE Select); 5 bases into the intron before coding-DNA position 1527, G replaced by A.
Molecular consequence: intron variant. On other transcripts: non-coding transcript variant (3).
Genome position (GRCh38, 1-based): chr1:150,344,429, G>A. VCF-style: chr1-150344429-G-A. GRCh37 (hg19) VCF-style: chr1-150316905-G-A.
Other names: c.1122-5G>A (NM_001350529.1); c.1527-5G>A (NM_004698.2).
Identifiers: ClinVar variation 1663267 (VCV001663267.9), dbSNP rs782779487, ClinGen allele CA1075660.